The following is an entry in ClinVar:

NM_207361.6(FREM2):c.4901C>A (p.Thr1634Lys)

Gene: FREM2 (FRAS1 related extracellular matrix 2; plus strand). Cytogenetic location: 13q13.3.
Variant type: single nucleotide variant.
Coding change: c.4901C>A on transcript NM_207361.6 (MANE Select); coding-DNA position 4901, C replaced by A.
Protein change: p.Thr1634Lys; replaces threonine 1634 with lysine.
Molecular consequence: missense variant.
Genome position (GRCh38, 1-based): chr13:38,692,245, C>A. VCF-style: chr13-38692245-C-A. GRCh37 (hg19) VCF-style: chr13-39266382-C-A.
Other names: short protein forms T1634K.
Identifiers: ClinVar variation 1315105 (VCV001315105.2), dbSNP rs74781600, ClinGen allele CA387894125.

ClinVar aggregate classification (germline): Uncertain significance (1 of 4 stars; one submission).

gnomAD v4.1: 2 of 1,614,082 alleles (0.00012%); highest among the groups gnomAD compares: Non-Finnish European, 0.00017%; no homozygotes.

Submission:

GeneDx
Classification: Uncertain significance. Last evaluated: 2020-02-20. Review status: criteria provided, single submitter. Criteria: GeneDx Variant Classification Process June 2021. Collection method: clinical testing. Allele origin: germline. Affected: yes.
Comment: Not observed in large population cohorts (Lek et al., 2016); In silico analysis supports that this missense variant has a deleterious effect on protein structure/function; Has not been previously published as pathogenic or benign to our knowledge